The following is an entry in ClinVar:

NM_205768.3(ZBTB18):c.265G>C (p.Glu89Gln)

Gene: ZBTB18 (zinc finger and BTB domain containing 18; plus strand). Cytogenetic location: 1q44.
Variant type: single nucleotide variant.
Coding change: c.265G>C on transcript NM_205768.3 (MANE Select); coding-DNA position 265, G replaced by C.
Protein change: p.Glu89Gln; replaces glutamic acid 89 with glutamine.
Molecular consequence: missense variant.
Genome position (GRCh38, 1-based): chr1:244,054,039, G>C. VCF-style: chr1-244054039-G-C. GRCh37 (hg19) VCF-style: chr1-244217341-G-C.
Other names: c.238G>C, p.Glu80Gln (NM_001278196.2, NM_006352.5); c.265G>C, p.Glu89Gln (NM_001421566.1); short protein forms E89Q, E80Q.
Identifiers: ClinVar variation 3649731 (VCV003649731.2).

ClinVar aggregate classification (germline): Uncertain significance (1 of 4 stars; one submission).

Submission:

Labcorp Genetics (formerly Invitae), Labcorp
Classification: Uncertain significance. Last evaluated: 2024-04-12. Review status: criteria provided, single submitter. Criteria: Invitae Variant Classification Sherloc (09022015). Collection method: clinical testing. Allele origin: germline.
Comment: This sequence change replaces glutamic acid, which is acidic and polar, with glutamine, which is neutral and polar, at codon 89 of the ZBTB18 protein (p.Glu89Gln). This variant is not present in population databases (gnomAD no frequency). This variant has not been reported in the literature in individuals affected with ZBTB18-related conditions. An algorithm developed to predict the effect of missense changes on protein structure and function (PolyPhen-2) suggests that this variant is likely to be disruptive. In summary, the available evidence is currently insufficient to determine the role of this variant in disease. Therefore, it has been classified as a Variant of Uncertain Significance.